The following is an entry in ClinVar:

ClinVar aggregate classification (germline): Uncertain significance (1 of 4 stars; one submission).

Conditions:
Dyskeratosis congenita, autosomal dominant 2. Identifiers: MedGen C3151443, MONDO:0013521, OMIM 613989.
Idiopathic Pulmonary Fibrosis. Also called: Idiopathic fibrosing alveolitis, chronic form; idiopathic fibrosing alveolitis. Identifiers: Orphanet 2032, MedGen C1800706, MeSH D054990, MONDO:0800504.

Submission:

Labcorp Genetics (formerly Invitae), Labcorp
Classification: Uncertain significance for Dyskeratosis congenita, autosomal dominant 2; Idiopathic Pulmonary Fibrosis. Last evaluated: 2025-02-10. Review status: criteria provided, single submitter. Criteria: Invitae Variant Classification Sherloc (09022015). Collection method: clinical testing. Allele origin: germline.
Comment: This sequence change replaces alanine, which is neutral and non-polar, with leucine, which is neutral and non-polar, at codon 49 of the TERT protein (p.Ala49Leu). Information on the frequency of this variant in the gnomAD database is not available, as this variant may be reported differently in the database. This variant has not been reported in the literature in individuals affected with TERT-related conditions. ClinVar contains an entry for this variant (Variation ID: 2941039). An algorithm developed to predict the effect of missense changes on protein structure and function (PolyPhen-2) suggests that this variant is likely to be tolerated. In summary, the available evidence is currently insufficient to determine the role of this variant in disease. Therefore, it has been classified as a Variant of Uncertain Significance.

NM_198253.3(TERT):c.145_146delinsTT (p.Ala49Leu)

Genes: TERT (telomerase reverse transcriptase; minus strand), LOC110806263 (TERT 5' regulatory region; plus strand). Cytogenetic location: 5p15.33.
Variant type: Indel.
Coding change: c.145_146delinsTT on transcript NM_198253.3 (MANE Select); coding-DNA positions 145 to 146, GC replaced by TT.
Protein change: p.Ala49Leu; replaces alanine 49 with leucine.
Molecular consequence: missense variant. On other transcripts: non-coding transcript variant (2).
Genome position (GRCh38, 1-based): chr5:1,294,844-1,294,845, GC replaced by AA on the plus strand (GC replaced by TT on the coding strand, the reverse complement: TERT is on the minus strand). VCF-style: chr5-1294844-GC-AA. GRCh37 (hg19) VCF-style: chr5-1294959-GC-AA.
Other names: c.145_146delinsTT, p.Ala49Leu (NM_001193376.3); c.145_146delGCinsTT, p.Ala49Leu (NM_003219.1); short protein forms A49L.
Identifiers: ClinVar variation 2941039 (VCV002941039.3), dbSNP rs2478433559, ClinGen allele CA2740091664.
Genomic context (GRCh38, chr5:1,294,844, plus strand): 5'-GGGGCGGCGGGGGGCGGCCGTGCGTCCCAGGGCACGCACACCAGGCACTGGGCCACCAGC[GC>AA]GCGGAAAGCCGCCGGGTCCCCGCGCTGCACCAGCCGCCAGCCCTGGGGCCCCAGGCGCCG-3'
Protein context (NP_937983.2, residues 39-59): VQRGDPAAFR[Ala49Leu]LVAQCLVCVP